The following is an entry in ClinVar:

NM_002334.4(LRP4):c.1638A>G (p.Lys546=)

Gene: LRP4 (LDL receptor related protein 4; minus strand). Cytogenetic location: 11p11.2.
Variant type: single nucleotide variant.
Coding change: c.1638A>G on transcript NM_002334.4 (MANE Select); coding-DNA position 1638, A replaced by G.
Protein change: p.Lys546=; no amino-acid change (lysine 546 retained).
Molecular consequence: synonymous variant.
Genome position (GRCh38, 1-based): chr11:46,893,032, T>C on the plus strand (A>G on the coding strand, the complement: LRP4 is on the minus strand). VCF-style: chr11-46893032-T-C. GRCh37 (hg19) VCF-style: chr11-46914583-T-C.
Other names: p.Lys546=.
Identifiers: ClinVar variation 304884 (VCV000304884.28), dbSNP rs10838631, ClinGen allele CA5970098.

ClinVar aggregate classification (germline): Benign/Likely benign. Review status: criteria provided, multiple submitters, no conflicts (2 of 4 stars). 11 submissions from 9 submitters: Benign (8); Likely benign (1). 2 of the submissions do not count toward it. Last evaluated 2026-02-04.

Conditions:
Sclerosteosis 2 (SOST2). Identifiers: Orphanet 3152, MedGen C3280402, MONDO:0013679, OMIM 614305.
Cenani-Lenz syndactyly syndrome. Also called: CENANI SYNDACTYLISM; SYNDACTYLY, TYPE VII. Identifiers: Orphanet 3258, MedGen C1859309, MONDO:0008931, OMIM 212780.
Congenital myasthenic syndrome 17. Identifiers: Orphanet 590, MedGen C4225377, MONDO:0014578, OMIM 616304.

Allele frequency attached by ClinVar (database versions not stated): ESP Exome Variant Server 0.97923; 1000 Genomes Project 30x 0.98064; 1000 Genomes Project 0.98083; TOPMed 0.98094; gnomAD 0.98127 and 0.98204; gnomAD exomes 0.98863 and 0.98874; ExAC 0.98882.
gnomAD v4.1: 1,594,681 of 1,614,160 alleles (99%); highest among the groups gnomAD compares: East Asian, 100%; 787,788 homozygotes.

Submissions (12):

Labcorp Genetics (formerly Invitae), Labcorp
Classification: Benign for Cenani-Lenz syndactyly syndrome; Sclerosteosis 2; Congenital myasthenic syndrome 17. Last evaluated: 2026-02-04. Review status: criteria provided, single submitter. Criteria: Invitae Variant Classification Sherloc (09022015). Collection method: clinical testing. Allele origin: germline.

Blueprint Genetics
Classification: Likely benign. Last evaluated: 2024-11-27. Review status: criteria provided, single submitter. Criteria: ACMG Guidelines, 2015. Collection method: clinical testing. Allele origin: germline.

Genome-Nilou Lab
Classification: Benign for Congenital myasthenic syndrome 17. Last evaluated: 2021-08-19. Review status: criteria provided, single submitter. Criteria: ACMG Guidelines, 2015. Collection method: clinical testing. Allele origin: germline. Affected: no.

Genome-Nilou Lab
Classification: Benign for Cenani-Lenz syndactyly syndrome. Last evaluated: 2021-08-19. Review status: criteria provided, single submitter. Criteria: ACMG Guidelines, 2015. Collection method: clinical testing. Allele origin: germline. Affected: no.

Genome-Nilou Lab
Classification: Benign for Sclerosteosis 2. Last evaluated: 2021-08-19. Review status: criteria provided, single submitter. Criteria: ACMG Guidelines, 2015. Collection method: clinical testing. Allele origin: germline. Affected: no.

GeneDx
Classification: Benign. Last evaluated: 2018-07-05. Review status: criteria provided, single submitter. Criteria: GeneDx Variant Classification Process June 2021. Collection method: clinical testing. Allele origin: germline. Affected: yes.

Mayo Clinic Laboratories, Mayo Clinic
Classification: Benign. Last evaluated: 2017-07-18. Review status: criteria provided, single submitter. Criteria: ACMG Guidelines, 2015. Collection method: clinical testing. Allele origin: germline. Observed: 437 variant alleles.

Illumina Laboratory Services, Illumina
Classification: Benign for Cenani-Lenz syndactyly syndrome. Last evaluated: 2017-04-27. Review status: criteria provided, single submitter. Criteria: ICSL Variant Classification Criteria 13 December 2019. Collection method: clinical testing. Allele origin: germline.
Comment: This variant was observed as part of a predisposition screen in an ostensibly healthy population. A literature search was performed for the gene, cDNA change, and amino acid change (where applicable). No publications were found based on this search. Allele frequency data from public databases was too high to be consistent with this variant causing disease. Therefore, this variant is classified as benign.

Breakthrough Genomics
Classification: Benign. Review status: criteria provided, single submitter. Criteria: ACMG Guidelines, 2015. Collection method: not provided. Allele origin: germline. Inheritance: Autosomal recessive inheritance. Affected: yes.

Diagnostic Laboratory, Department of Genetics, University Medical Center Groningen
Classification: Benign. Review status: no assertion criteria provided. Collection method: clinical testing. Allele origin: germline. Affected: yes. Study: VKGL Data-share Consensus. Not counted in ClinVar's aggregate classification.

Dr. Peter K. Rogan Lab, Western University
No classification provided (evidence only). Condition: Familial cancer of breast. Review status: no classification provided. Collection method: in vitro. Allele origin: not applicable. Functional consequence: retained intron. Not counted in ClinVar's aggregate classification.

Joint Genome Diagnostic Labs from Nijmegen and Maastricht, Radboudumc and MUMC+
Classification: Benign. Review status: no assertion criteria provided. Collection method: clinical testing. Allele origin: germline. Affected: yes. Study: VKGL Data-share Consensus. Not counted in ClinVar's aggregate classification.